The following is an entry in ClinVar:

ClinVar aggregate classification (germline): Uncertain significance (1 of 4 stars; one submission).

Submission:

Labcorp Genetics (formerly Invitae), Labcorp
Classification: Uncertain significance. Last evaluated: 2020-12-10. Review status: criteria provided, single submitter. Criteria: Invitae Variant Classification Sherloc (09022015). Collection method: clinical testing. Allele origin: germline.
Comment: In summary, the available evidence is currently insufficient to determine the role of this variant in disease. Therefore, it has been classified as a Variant of Uncertain Significance. This variant has not been reported in the literature in individuals with IL12RB2-related conditions. This variant is not present in population databases (ExAC no frequency). This sequence change creates a premature translational stop signal (p.Leu53Glufs*13) in the IL12RB2 gene. It is expected to result in an absent or disrupted protein product. However, the current clinical and genetic evidence is not sufficient to establish whether loss-of-function variants in IL12RB2 cause disease.

NM_001374259.2(IL12RB2):c.157_158del (p.Leu53fs)

Gene: IL12RB2 (interleukin 12 receptor subunit beta 2; plus strand). Cytogenetic location: 1p31.3.
Variant type: Deletion.
Coding change: c.157_158del on transcript NM_001374259.2 (MANE Select); coding-DNA positions 157 to 158, 2 bases deleted (TT; older notation c.157_158delTT).
Protein change: p.Leu53fs; shifts the reading frame from leucine 53.
Molecular consequence: frameshift variant. On other transcripts: non-coding transcript variant (2).
Genome position (GRCh38, 1-based): chr1:67,321,682-67,321,683, TT deleted; deleting any 2 consecutive bases within chr1:67,321,681-67,321,683 gives the same sequence; the c. name uses the placement nearest the transcript's 3' end. VCF-style (leftmost placement, unchanged base first): chr1-67321680-CTT-C. GRCh37 (hg19) VCF-style: chr1-67787363-CTT-C.
Other names: c.157_158del, p.Leu53fs (NM_001258214.1, NM_001258215.1, NM_001258216.1 and 2 more transcripts); short protein forms L53fs.
Identifiers: ClinVar variation 1428909 (VCV001428909.6), dbSNP rs2100599793, ClinGen allele CA2573132498.